The following is an entry in ClinVar:

NM_000390.4(CHM):c.593A>G (p.Glu198Gly)

Gene: CHM (CHM Rab escort protein; minus strand). Cytogenetic location: Xq21.2.
Variant type: single nucleotide variant.
Coding change: c.593A>G on transcript NM_000390.4 (MANE Select); coding-DNA position 593, A replaced by G.
Protein change: p.Glu198Gly; replaces glutamic acid 198 with glycine.
Molecular consequence: missense variant.
Genome position (GRCh38, 1-based): chrX:85,963,774, T>C on the plus strand (A>G on the coding strand, the complement: CHM is on the minus strand). VCF-style: chrX-85963774-T-C. GRCh37 (hg19) VCF-style: chrX-85218779-T-C.
Other names: c.149A>G, p.Glu50Gly (NM_001320959.1, NM_001362517.1, NM_001362518.2 and 1 more transcripts); short protein forms E50G, E198G.
Identifiers: ClinVar variation 1971865 (VCV001971865.4), dbSNP rs774186856, ClinGen allele CA10465558.

ClinVar aggregate classification (germline): Uncertain significance (1 of 4 stars; one submission).

Allele frequency attached by ClinVar (database versions not stated): gnomAD exomes 0.00001; TOPMed 0.00003; ExAC 0.00001; gnomAD 0.00004.
gnomAD v4.1: 19 of 1,210,291 alleles (0.0016%); highest among the groups gnomAD compares: Non-Finnish European, 0.002%; no homozygotes.

Submission:

Labcorp Genetics (formerly Invitae), Labcorp
Classification: Uncertain significance. Last evaluated: 2025-03-17. Review status: criteria provided, single submitter. Criteria: Invitae Variant Classification Sherloc (09022015). Collection method: clinical testing. Allele origin: germline.
Comment: This sequence change replaces glutamic acid, which is acidic and polar, with glycine, which is neutral and non-polar, at codon 198 of the CHM protein (p.Glu198Gly). This variant is present in population databases (rs774186856, gnomAD 0.005%), including at least one homozygous and/or hemizygous individual. This variant has not been reported in the literature in individuals affected with CHM-related conditions. ClinVar contains an entry for this variant (Variation ID: 1971865). Invitae Evidence Modeling of protein sequence and biophysical properties (such as structural, functional, and spatial information, amino acid conservation, physicochemical variation, residue mobility, and thermodynamic stability) indicates that this missense variant is not expected to disrupt CHM protein function with a negative predictive value of 80%. In summary, the available evidence is currently insufficient to determine the role of this variant in disease. Therefore, it has been classified as a Variant of Uncertain Significance.